The following is an entry in ClinVar:

ClinVar aggregate classification (germline): Conflicting classifications of pathogenicity. Review status: criteria provided, conflicting classifications (1 of 4 stars). 4 submissions from 4 submitters: Uncertain significance (1); Likely benign (3). Last evaluated 2024-11-26.

Conditions:
Gaze palsy, familial horizontal, with progressive scoliosis 1 (HGPPS1). Identifiers: Orphanet 2744, MedGen C4551964, MONDO:0020790, OMIM 607313.

Allele frequency attached by ClinVar (database versions not stated): 1000 Genomes Project 0.00040; 1000 Genomes Project 30x 0.00047; ExAC 0.00066; ESP Exome Variant Server 0.00066; gnomAD exomes 0.00066 and 0.00102; TOPMed 0.00071; gnomAD 0.00082 and 0.00084.
gnomAD v4.1: 1,601 of 1,611,364 alleles (0.099%); highest among the groups gnomAD compares: Non-Finnish European, 0.13%; no homozygotes.

Submissions (4):

Blueprint Genetics
Classification: Likely benign. Last evaluated: 2024-11-26. Review status: criteria provided, single submitter. Criteria: ACMG Guidelines, 2015. Collection method: clinical testing. Allele origin: germline.

CeGaT Center for Human Genetics Tuebingen
Classification: Likely benign. Last evaluated: 2022-05-01. Review status: criteria provided, single submitter. Criteria: CeGaT Center For Human Genetics Tuebingen Variant Classification Criteria Version 2. Collection method: clinical testing. Allele origin: germline. Affected: yes. Observed: 1 variant allele.
Comment: ROBO3: BP4, BP7

Labcorp Genetics (formerly Invitae), Labcorp
Classification: Likely benign. Last evaluated: 2019-12-31. Review status: criteria provided, single submitter. Criteria: Invitae Variant Classification Sherloc (09022015). Collection method: clinical testing. Allele origin: germline.

Illumina Laboratory Services, Illumina
Classification: Uncertain significance for Gaze palsy, familial horizontal, with progressive scoliosis 1. Last evaluated: 2018-01-13. Review status: criteria provided, single submitter. Criteria: ICSL Variant Classification Criteria 13 December 2019. Collection method: clinical testing. Allele origin: germline.

NM_022370.4(ROBO3):c.2310C>T (p.Gly770=)

Gene: ROBO3 (roundabout guidance receptor 3; plus strand). Cytogenetic location: 11q24.2.
Variant type: single nucleotide variant.
Coding change: c.2310C>T on transcript NM_022370.4 (MANE Select); coding-DNA position 2310, C replaced by T.
Protein change: p.Gly770=; no amino-acid change (glycine 770 retained).
Molecular consequence: synonymous variant.
Genome position (GRCh38, 1-based): chr11:124,875,574, C>T. VCF-style: chr11-124875574-C-T. GRCh37 (hg19) VCF-style: chr11-124745470-C-T.
Identifiers: ClinVar variation 303251 (VCV000303251.34), dbSNP rs200678379, ClinGen allele CA6343756.